The following is an entry in ClinVar:

NM_004055.5(CAPN5):c.1579G>C (p.Ala527Pro)

Gene: CAPN5 (calpain 5; plus strand). Cytogenetic location: 11q13.5.
Variant type: single nucleotide variant.
Coding change: c.1579G>C on transcript NM_004055.5 (MANE Select); coding-DNA position 1579, G replaced by C.
Protein change: p.Ala527Pro; replaces alanine 527 with proline.
Molecular consequence: missense variant.
Genome position (GRCh38, 1-based): chr11:77,122,025, G>C. VCF-style: chr11-77122025-G-C. GRCh37 (hg19) VCF-style: chr11-76833071-G-C.
Other names: c.1699G>C, p.Ala567Pro (NM_001425321.1); c.1579G>C, p.Ala527Pro (NM_001425322.1); c.1447G>C, p.Ala483Pro (NM_001425323.1); short protein forms A483P, A567P, A527P.
Identifiers: ClinVar variation 2829200 (VCV002829200.3), dbSNP rs1555042897, ClinGen allele CA381943691.

ClinVar aggregate classification (germline): Uncertain significance (1 of 4 stars; one submission).

Allele frequency attached by ClinVar (database versions not stated): gnomAD exomes below 0.00001.
gnomAD v4.1: 2 of 1,556,814 alleles (0.00013%); highest among the groups gnomAD compares: Non-Finnish European, 0.00017%; no homozygotes.

Submission:

Labcorp Genetics (formerly Invitae), Labcorp
Classification: Uncertain significance. Last evaluated: 2023-03-02. Review status: criteria provided, single submitter. Criteria: Invitae Variant Classification Sherloc (09022015). Collection method: clinical testing. Allele origin: germline.
Comment: In summary, the available evidence is currently insufficient to determine the role of this variant in disease. Therefore, it has been classified as a Variant of Uncertain Significance. An algorithm developed to predict the effect of missense changes on protein structure and function (PolyPhen-2) suggests that this variant is likely to be tolerated. This variant has not been reported in the literature in individuals affected with CAPN5-related conditions. The frequency data for this variant in the population databases is considered unreliable, as metrics indicate poor data quality at this position in the gnomAD database. This sequence change replaces alanine, which is neutral and non-polar, with proline, which is neutral and non-polar, at codon 527 of the CAPN5 protein (p.Ala527Pro).